The following is an entry in ClinVar:

ClinVar aggregate classification (germline): Uncertain significance. Review status: criteria provided, multiple submitters, no conflicts (2 of 4 stars). 2 submissions from 2 submitters: Uncertain significance (2). Last evaluated 2021-08-04.

Conditions:
Arrhythmogenic right ventricular dysplasia 11. Also called: Arrhythmogenic right ventricular dysplasia 11 with mild palmoplantar keratoderma and woolly hair; Arrhythmogenic Right Ventricular Dysplasia/Cardiomyopathy11; ARRHYTHMOGENIC RIGHT VENTRICULAR DYSPLASIA, FAMILIAL, 11. Identifiers: MedGen C1864850, MONDO:0012506, OMIM 610476.

Submissions (2):

Fulgent Genetics
Classification: Uncertain significance for Arrhythmogenic right ventricular dysplasia 11. Last evaluated: 2021-08-04. Review status: criteria provided, single submitter. Criteria: ACMG Guidelines, 2015. Collection method: clinical testing. Allele origin: unknown.

Labcorp Genetics (formerly Invitae), Labcorp
Classification: Uncertain significance for Arrhythmogenic right ventricular dysplasia 11. Last evaluated: 2021-08-04. Review status: criteria provided, single submitter. Criteria: Invitae Variant Classification Sherloc (09022015). Collection method: clinical testing. Allele origin: germline.
Comment: In summary, the available evidence is currently insufficient to determine the role of this variant in disease. Therefore, it has been classified as a Variant of Uncertain Significance. Algorithms developed to predict the effect of missense changes on protein structure and function output the following: SIFT: "Tolerated"; PolyPhen-2: "Benign"; Align-GVGD: "Class C0". The alanine amino acid residue is found in multiple mammalian species, which suggests that this missense change does not adversely affect protein function. This variant has not been reported in the literature in individuals affected with DSC2-related conditions. This variant is not present in population databases (ExAC no frequency). This sequence change replaces valine with alanine at codon 582 of the DSC2 protein (p.Val582Ala). The valine residue is moderately conserved and there is a small physicochemical difference between valine and alanine.

NM_024422.6(DSC2):c.1745T>C (p.Val582Ala)

Gene: DSC2 (desmocollin 2; minus strand). Cytogenetic location: 18q12.1.
Variant type: single nucleotide variant.
Coding change: c.1745T>C on transcript NM_024422.6 (MANE Select); coding-DNA position 1745, T replaced by C.
Protein change: p.Val582Ala; replaces valine 582 with alanine.
Molecular consequence: missense variant.
Genome position (GRCh38, 1-based): chr18:31,074,826, A>G on the plus strand (T>C on the coding strand, the complement: DSC2 is on the minus strand). VCF-style: chr18-31074826-A-G. GRCh37 (hg19) VCF-style: chr18-28654792-A-G.
Other names: c.1745T>C, p.Val582Ala (NM_004949.5); short protein forms V582A.
Identifiers: ClinVar variation 1504865 (VCV001504865.7), dbSNP rs1986959880, ClinGen allele CA402114186.